The following is an entry in ClinVar:

ClinVar aggregate classification (germline): Uncertain significance. Review status: criteria provided, multiple submitters, no conflicts (2 of 4 stars). 2 submissions from 2 submitters: Uncertain significance (2). Last evaluated 2022-02-17.

Conditions:
Renal tubular acidosis with progressive nerve deafness. Also called: renal tubular acidosis, distal, 2, with progressive sensorineural hearing loss; Distal Renal Tubular Acidosis with Progressive Sensorineural Deafness; RENAL TUBULAR ACIDOSIS, AUTOSOMAL RECESSIVE, WITH PROGRESSIVE NERVE DEAFNESS; RTA WITH PROGRESSIVE NERVE DEAFNESS. Identifiers: MedGen C0403554, MONDO:0009968, OMIM 267300.

Allele frequency attached by ClinVar (database versions not stated): gnomAD exomes 0.00001 and 0.00002; TOPMed 0.00002; gnomAD 0.00003 and 0.00004.
gnomAD v4.1: 37 of 1,614,074 alleles (0.0023%); highest among the groups gnomAD compares: Non-Finnish European, 0.0031%; no homozygotes.

Submissions (2):

Fulgent Genetics
Classification: Uncertain significance for Renal tubular acidosis with progressive nerve deafness. Last evaluated: 2022-02-17. Review status: criteria provided, single submitter. Criteria: ACMG Guidelines, 2015. Collection method: clinical testing. Allele origin: unknown.

Labcorp Genetics (formerly Invitae), Labcorp
Classification: Uncertain significance. Last evaluated: 2021-09-24. Review status: criteria provided, single submitter. Criteria: Invitae Variant Classification Sherloc (09022015). Collection method: clinical testing. Allele origin: germline.
Comment: This sequence change replaces aspartic acid with glycine at codon 374 of the ATP6V1B1 protein (p.Asp374Gly). The aspartic acid residue is highly conserved and there is a moderate physicochemical difference between aspartic acid and glycine. This variant is not present in population databases (ExAC no frequency). This variant has not been reported in the literature in individuals with ATP6V1B1-related disease. Algorithms developed to predict the effect of missense changes on protein structure and function (SIFT, PolyPhen-2, Align-GVGD) all suggest that this variant is likely to be disruptive, but these predictions have not been confirmed by published functional studies and their clinical significance is uncertain. In summary, the available evidence is currently insufficient to determine the role of this variant in disease. Therefore, it has been classified as a Variant of Uncertain Significance.

NM_001692.4(ATP6V1B1):c.1121A>G (p.Asp374Gly)

Gene: ATP6V1B1 (ATPase H+ transporting V1 subunit B1; plus strand). Cytogenetic location: 2p13.3.
Variant type: single nucleotide variant.
Coding change: c.1121A>G on transcript NM_001692.4 (MANE Select); coding-DNA position 1121, A replaced by G.
Protein change: p.Asp374Gly; replaces aspartic acid 374 with glycine.
Molecular consequence: missense variant.
Genome position (GRCh38, 1-based): chr2:70,963,632, A>G. VCF-style: chr2-70963632-A-G. GRCh37 (hg19) VCF-style: chr2-71190762-A-G.
Other names: short protein forms D374G.
Identifiers: ClinVar variation 1444076 (VCV001444076.6), dbSNP rs1329865941, ClinGen allele CA347187307.